The following is an entry in ClinVar:

NM_017617.5(NOTCH1):c.7417del (p.Val2473fs)

Gene: NOTCH1 (notch receptor 1; minus strand). Cytogenetic location: 9q34.3.
Variant type: Deletion.
Coding change: c.7417del on transcript NM_017617.5 (MANE Select); coding-DNA position 7417, one base deleted (G; older notation c.7417delG).
Protein change: p.Val2473fs; shifts the reading frame from valine 2473.
Molecular consequence: frameshift variant.
Genome position (GRCh38, 1-based): chr9:136,496,322, C deleted on the plus strand (G on the coding strand, the reverse complement: NOTCH1 is on the minus strand); the first of 2 consecutive C bases (chr9:136,496,322-136,496,323); deleting either gives the same sequence. VCF-style (leftmost placement, unchanged base first): chr9-136496321-AC-A. GRCh37 (hg19) VCF-style: chr9-139390773-AC-A.
Other names: short protein forms V2473fs.
Identifiers: ClinVar variation 1380794 (VCV001380794.8), dbSNP rs2133314943, ClinGen allele CA645544226.

ClinVar aggregate classification (germline): Uncertain significance (1 of 4 stars; one submission).

Conditions:
Adams-Oliver syndrome 5 (AOS5). Identifiers: Orphanet 974, MedGen C4014970, MONDO:0014459, OMIM 616028.

Submission:

Labcorp Genetics (formerly Invitae), Labcorp
Classification: Uncertain significance for Adams-Oliver syndrome 5. Last evaluated: 2021-03-23. Review status: criteria provided, single submitter. Criteria: Invitae Variant Classification Sherloc (09022015). Collection method: clinical testing. Allele origin: germline.
Comment: Experimental studies and prediction algorithms are not available or were not evaluated, and the functional significance of this variant is currently unknown. This variant has not been reported in the literature in individuals with NOTCH1-related conditions. This variant is not present in population databases (ExAC no frequency). This sequence change creates a premature translational stop signal (p.Val2473Serfs*4) in the NOTCH1 gene. While this is not anticipated to result in nonsense mediated decay, it is expected to disrupt the last 83 amino acid(s) of the NOTCH1 protein. In summary, the available evidence is currently insufficient to determine the role of this variant in disease. Therefore, it has been classified as a Variant of Uncertain Significance.